The following is an entry in ClinVar:

ClinVar aggregate classification (germline): Conflicting classifications of pathogenicity. Review status: criteria provided, conflicting classifications (1 of 4 stars). 5 submissions from 5 submitters: Uncertain significance (4); Likely benign (1). Last evaluated 2025-10-06.

Conditions:
Familial hypercholesterolemia. Also called: Familial hypercholesterolemias; Familial hypercholesterolaemia. Identifiers: MedGen C0020445, MONDO:0005439.
Hypercholesterolemia, autosomal dominant, 3 (FHCL3). Also called: Familial Hypercholesterolemia, Autosomal Dominant, 3; PCSK9-Related Familial Hypercholesterolemia, Autosomal Dominant; Familial hypercholesterolemia 3. Identifiers: MedGen C1863551, MONDO:0011369, OMIM 603776.
Cardiovascular phenotype. Identifiers: MedGen CN230736.

Allele frequency attached by ClinVar (database versions not stated): TOPMed 0.00002.
gnomAD v4.1: 77 of 1,613,792 alleles (0.0048%); highest among the groups gnomAD compares: Middle Eastern, 0.016%; no homozygotes.

Submissions (5):

Labcorp Genetics (formerly Invitae), Labcorp
Classification: Uncertain significance for Hypercholesterolemia, autosomal dominant, 3. Last evaluated: 2025-10-06. Review status: criteria provided, single submitter. Criteria: Invitae Variant Classification Sherloc (09022015). Collection method: clinical testing. Allele origin: germline.
Comment: This sequence change replaces glutamic acid, which is acidic and polar, with lysine, which is basic and polar, at codon 403 of the PCSK9 protein (p.Glu403Lys). This variant is present in population databases (rs778562344, gnomAD 0.006%). This variant has not been reported in the literature in individuals affected with PCSK9-related conditions. ClinVar contains an entry for this variant (Variation ID: 630157). Invitae Evidence Modeling of protein sequence and biophysical properties (such as structural, functional, and spatial information, amino acid conservation, physicochemical variation, residue mobility, and thermodynamic stability) indicates that this missense variant is not expected to disrupt PCSK9 protein function with a negative predictive value of 80%. In summary, the available evidence is currently insufficient to determine the role of this variant in disease. Therefore, it has been classified as a Variant of Uncertain Significance.

Quest Diagnostics Nichols Institute San Juan Capistrano
Classification: Uncertain significance. Last evaluated: 2025-02-01. Review status: criteria provided, single submitter. Criteria: Quest Diagnostics criteria. Collection method: clinical testing. Allele origin: unknown.
Comment: The PCSK9 c.1207G>A (p.Glu403Lys) variant has not been reported in individuals with PCSK9-related conditions in the published literature. The frequency of this variant in the general population (Genome Aggregation Database) is uninformative in the assessment of its pathogenicity. Analysis of this variant using bioinformatics tools for the prediction of the effect of amino acid changes on protein structure and function yielded predictions that this variant is benign. Based on the available information, we are unable to determine the clinical significance of this variant.

All of Us Research Program, National Institutes of Health
Classification: Uncertain significance for Hypercholesterolemia, autosomal dominant, 3. Last evaluated: 2024-07-23. Review status: criteria provided, single submitter. Criteria: ACMG Guidelines, 2015. Collection method: clinical testing. Allele origin: germline. Inheritance: Autosomal dominant inheritance. Observed: 14 variant alleles, 14 heterozygotes.
Comment: This missense variant replaces glutamic acid with lysine at codon 403 of the PCSK9 protein. Computational prediction suggests that this variant may not impact protein structure and function (internally defined REVEL score threshold <= 0.5, PMID: 27666373). Splice site prediction tools suggest that this variant may not impact RNA splicing. To our knowledge, functional studies have not been reported for this variant. This variant has not been reported in individuals affected with familial hypercholesterolemia in the literature. This variant has been identified in 7/251134 chromosomes in the general population by the Genome Aggregation Database (gnomAD). The available evidence is insufficient to determine the role of this variant in disease conclusively. Therefore, this variant is classified as a Variant of Uncertain Significance.

This study involves interpretation of variants in research participants for the purpose of population health screening. Participant phenotype was not available at the time of variant classification. Additional details can be found in publication PMID: 35346344, PMCID: PMC8962531

Ambry Genetics
Classification: Likely benign for Cardiovascular phenotype. Last evaluated: 2024-07-20. Review status: criteria provided, single submitter. Criteria: Ambry Variant Classification Scheme 2023. Collection method: clinical testing. Allele origin: germline.

Color Diagnostics, LLC DBA Color Health
Classification: Uncertain significance for Familial hypercholesterolemia. Last evaluated: 2024-03-06. Review status: criteria provided, single submitter. Criteria: ACMG Guidelines, 2015. Collection method: clinical testing. Allele origin: germline.
Comment: This missense variant replaces glutamic acid with lysine at codon 403 of the PCSK9 protein. Computational prediction tools indicate that this variant has a neutral impact on protein structure and function. To our knowledge, functional studies have not been reported for this variant. This variant has not been reported in individuals affected with PCSK9-related disorders in the literature. This variant has been identified in 7/251134 chromosomes in the general population by the Genome Aggregation Database (gnomAD). The available evidence is insufficient to determine the role of this variant in disease conclusively. Therefore, this variant is classified as a Variant of Uncertain Significance.

NM_174936.4(PCSK9):c.1207G>A (p.Glu403Lys)

Gene: PCSK9 (proprotein convertase subtilisin/kexin type 9; plus strand). Cytogenetic location: 1p32.3.
Variant type: single nucleotide variant.
Coding change: c.1207G>A on transcript NM_174936.4 (MANE Select); coding-DNA position 1207, G replaced by A.
Protein change: p.Glu403Lys; replaces glutamic acid 403 with lysine.
Molecular consequence: missense variant.
Genome position (GRCh38, 1-based): chr1:55,058,062, G>A. VCF-style: chr1-55058062-G-A. GRCh37 (hg19) VCF-style: chr1-55523735-G-A.
Other names: c.1330G>A, p.Glu444Lys (NM_001407240.1); c.1207G>A, p.Glu403Lys (NM_001407241.1); c.1210G>A, p.Glu404Lys (NM_001407242.1); c.1150G>A, p.Glu384Lys (NM_001407243.1); c.1015G>A, p.Glu339Lys (NM_001407245.1); c.832G>A, p.Glu278Lys (NM_001407246.1); short protein forms E403K, E278K, E339K, E384K, E404K, E444K.
Identifiers: ClinVar variation 630157 (VCV000630157.18), dbSNP rs778562344, ClinGen allele CA035851.
Genomic context (GRCh38, chr1:55,058,062, plus strand): 5'-CATCACCATCTTTCACCATTCACCCCTGCACCAGGCATTGCAGCCATGATGCTGTCTGCC[G>A]AGCCGGAGCTCACCCTGGCCGAGTTGAGGCAGAGACTGATCCACTTCTCTGCCAAAGATG-3'
Protein context (NP_777596.2, residues 393-413): AGIAAMMLSA[Glu403Lys]PELTLAELRQ